The following is an entry in ClinVar:

NM_000447.3(PSEN2):c.954C>T (p.Pro318=)

Gene: PSEN2 (presenilin 2; plus strand). Cytogenetic location: 1q42.13.
Variant type: single nucleotide variant.
Coding change: c.954C>T on transcript NM_000447.3 (MANE Select); coding-DNA position 954, C replaced by T.
Protein change: p.Pro318=; no amino-acid change (proline 318 retained).
Molecular consequence: synonymous variant.
Genome position (GRCh38, 1-based): chr1:226,891,345, C>T. VCF-style: chr1-226891345-C-T. GRCh37 (hg19) VCF-style: chr1-227079046-C-T.
Other names: c.954C>T, p.Pro318= (NM_012486.3).
Identifiers: ClinVar variation 295994 (VCV000295994.14), dbSNP rs199587016, ClinGen allele CA1424716.

ClinVar aggregate classification (germline): Conflicting classifications of pathogenicity. Review status: criteria provided, conflicting classifications (1 of 4 stars). 5 submissions from 4 submitters: Uncertain significance (1); Benign (1); Likely benign (3). Last evaluated 2025-10-17.

Conditions:
Dilated cardiomyopathy 1V (CMD1V). Identifiers: Orphanet 154, MedGen C3150958, MONDO:0013373, OMIM 613697.
Alzheimer disease 4 (AD4). Identifiers: Orphanet 1020, MedGen C1847200, MONDO:0011743, OMIM 606889.

Allele frequency attached by ClinVar (database versions not stated): gnomAD 0.00021 and 0.00022; TOPMed 0.00023; ESP Exome Variant Server 0.00038; gnomAD exomes 0.00041; ExAC 0.00044.
gnomAD v4.1: 363 of 1,613,320 alleles (0.023%); highest among the groups gnomAD compares: Middle Eastern, 0.15%; 2 homozygotes.

Submissions (5):

Labcorp Genetics (formerly Invitae), Labcorp
Classification: Likely benign for Alzheimer disease 4. Last evaluated: 2025-10-17. Review status: criteria provided, single submitter. Criteria: Invitae Variant Classification Sherloc (09022015). Collection method: clinical testing. Allele origin: germline.

Blueprint Genetics
Classification: Likely benign. Last evaluated: 2024-06-26. Review status: criteria provided, single submitter. Criteria: ACMG Guidelines, 2015. Collection method: clinical testing. Allele origin: germline.

Illumina Laboratory Services, Illumina
Classification: Uncertain significance for Dilated cardiomyopathy 1V. Last evaluated: 2018-01-12. Review status: criteria provided, single submitter. Criteria: ICSL Variant Classification Criteria 13 December 2019. Collection method: clinical testing. Allele origin: germline.

Illumina Laboratory Services, Illumina
Classification: Likely benign for Alzheimer disease 4. Last evaluated: 2018-01-12. Review status: criteria provided, single submitter. Criteria: ICSL Variant Classification Criteria 13 December 2019. Collection method: clinical testing. Allele origin: germline.
Comment: This variant was observed in the ICSL laboratory as part of a predisposition screen in an ostensibly healthy population. It had not been previously curated by ICSL or reported in the Human Gene Mutation Database (HGMD: prior to June 1st, 2018), and was therefore a candidate for classification through an automated scoring system. Utilizing variant allele frequency, disease prevalence and penetrance estimates, and inheritance mode, an automated score was calculated to assess if this variant is too frequent to cause the disease. Based on the score and internal cut-off values, a variant classified as likely benign is not then subjected to further curation. The score for this variant resulted in a classification of likely benign for this disease.

Athena Diagnostics
Classification: Benign. Last evaluated: 2017-03-21. Review status: criteria provided, single submitter. Criteria: Athena Diagnostics Criteria. Collection method: clinical testing. Allele origin: germline.